The following is an entry in ClinVar:

ClinVar aggregate classification (germline): Uncertain significance (1 of 4 stars; one submission).

Allele frequency attached by ClinVar (database versions not stated): TOPMed below 0.00001; ExAC 0.00012; gnomAD 0.00001.
gnomAD v4.1: 14 of 1,549,114 alleles (0.0009%); highest among the groups gnomAD compares: East Asian, 0.0024%; no homozygotes.

Submission:

GeneDx
Classification: Uncertain significance. Last evaluated: 2017-01-29. Review status: criteria provided, single submitter. Criteria: GeneDx Variant Classification (06012015). Collection method: clinical testing. Allele origin: germline. Affected: yes.
Comment: The c.3699 G>A variant in the PIEZO1 gene has not been reported previously as a pathogenic variant, nor as a benign variant, to our knowledge. The c.3699 G>A variant was not observed in approximately 2282 individuals of European and African American ancestry in the NHLBI Exome Sequencing Project, indicating it is not a common benign variant in these populations. This substitution alters the last base of exon 25 of the PIEZO1 gene, a nucleotide position that is not conserved. In silico splice prediction programs predict this variant destroys the natural splice donor site for intron 25, and may lead to abnormal gene splicing. Therefore, this variant may lead to either an abnormal message that is subject to nonsense-mediated mRNA decay, or to an abnormal protein product if the message is used for protein translation. However, in the absence of RNA/functional studies, the actual effect of c.3699 G>A in this individual is unknown. In summary, we interpret c.3699 G>A as a variant of uncertain significance.

NM_001142864.4(PIEZO1):c.3699G>A (p.Ser1233=)

Gene: PIEZO1 (piezo type mechanosensitive ion channel component 1; minus strand). Cytogenetic location: 16q24.3.
Variant type: single nucleotide variant.
Coding change: c.3699G>A on transcript NM_001142864.4 (MANE Select); coding-DNA position 3699, G replaced by A.
Protein change: p.Ser1233=; no amino-acid change (serine 1233 retained).
Molecular consequence: synonymous variant.
Genome position (GRCh38, 1-based): chr16:88,726,715, C>T on the plus strand (G>A on the coding strand, the complement: PIEZO1 is on the minus strand). VCF-style: chr16-88726715-C-T. GRCh37 (hg19) VCF-style: chr16-88793123-C-T.
Other names: c.3699G>A, p.Ser1233= (LRG_1137t1).
Identifiers: ClinVar variation 393225 (VCV000393225.2), dbSNP rs756007857, ClinGen allele CA8232425.